The following is an entry in ClinVar:

NM_004415.4(DSP):c.3133C>T (p.Arg1045Ter)

Gene: DSP (desmoplakin; plus strand). Cytogenetic location: 6p24.3.
Variant type: single nucleotide variant.
Coding change: c.3133C>T on transcript NM_004415.4 (MANE Select); coding-DNA position 3133, C replaced by T.
Protein change: p.Arg1045Ter; replaces arginine 1045 with a stop codon.
Molecular consequence: nonsense.
Genome position (GRCh38, 1-based): chr6:7,579,323, C>T. VCF-style: chr6-7579323-C-T. GRCh37 (hg19) VCF-style: chr6-7579556-C-T.
Other names: p.Arg1045*; c.3133C>T, p.Arg1045Ter (NM_001008844.3, NM_001319034.2); short protein forms R1045*.
Identifiers: ClinVar variation 464961 (VCV000464961.22), dbSNP rs1554108012, ClinGen allele CA362683067.
Genomic context (GRCh38, chr6:7,579,323, plus strand): 5'-TTCATTCCACAGCTGAAAAATACCAAGATCGAAGTTTTGGAAGAGGAGCTCAGACTGGCC[C>T]GAGATGCCAACTCGGAAAACTGTAATAAGAACAAATTCCTGGATCAGAACCTGCAGAAAT-3'

ClinVar aggregate classification (germline): Pathogenic/Likely pathogenic. Review status: criteria provided, multiple submitters, no conflicts (2 of 4 stars). 7 submissions from 7 submitters: Pathogenic (6); Likely pathogenic (1). Last evaluated 2026-01-11.

Conditions:
Arrhythmogenic right ventricular dysplasia 8 (ARVD8). Also called: Arrhythmogenic Right Ventricular Dysplasia/Cardiomyopathy 8; ARRHYTHMOGENIC RIGHT VENTRICULAR DYSPLASIA, FAMILIAL, 8; ARRHYTHMOGENIC RIGHT VENTRICULAR CARDIOMYOPATHY 8. Identifiers: MedGen C1843896, MONDO:0011831, OMIM 607450.
Arrhythmogenic cardiomyopathy with wooly hair and keratoderma. Also called: Carvajal syndrome; Dilated cardiomyopathy with woolly hair and keratoderma; Arrhythmogenic cardiomyopathy with woolly hair and keratoderma; PALMOPLANTAR KERATODERMA WITH LEFT VENTRICULAR CARDIOMYOPATHY AND WOOLLY HAIR. Identifiers: Orphanet 65282, MedGen C1854063, MONDO:0011581, OMIM 605676.
DSP-related disorder. Also called: DSP-related condition; DSP-related disorders.
Arrhythmogenic right ventricular cardiomyopathy (ARVD). Also called: Arrhythmogenic Right Ventricular Cardiomyopathy (ARVC); Arrhythmogenic right ventricular dysplasia; Cardiomyopathy, ARVC; Arrhythmogenic cardiomyopathy. Identifiers: Orphanet 247, MedGen C0349788, MeSH D019571, MONDO:0016587. Disease mechanism: loss of function. Inheritance: Various modes of inheritance.
Primary dilated cardiomyopathy (DCM). Also called: Dilated Cardiomyopathy. Identifiers: Orphanet 217604, MedGen C0007193, MeSH D002311, MONDO:0005021, HP:0001644. Inheritance: Various modes of inheritance.
Cardiovascular phenotype. Identifiers: MedGen CN230736.
Cardiac arrhythmia. Also called: Cardiac rhythm disease; Arrhythmia. Identifiers: MedGen C0003811, MONDO:0007263, HP:0011675.

Allele frequency attached by ClinVar (database versions not stated): gnomAD exomes below 0.00001; TOPMed below 0.00001.
gnomAD v4.1: 5 of 1,614,108 alleles (0.00031%); highest among the groups gnomAD compares: Non-Finnish European, 0.00042%; no homozygotes.

Submissions (7):

Labcorp Genetics (formerly Invitae), Labcorp
Classification: Pathogenic for Arrhythmogenic cardiomyopathy with wooly hair and keratoderma; Arrhythmogenic right ventricular dysplasia 8. Last evaluated: 2026-01-11. Review status: criteria provided, single submitter. Criteria: Invitae Variant Classification Sherloc (09022015). Collection method: clinical testing. Allele origin: germline.
Comment: This sequence change creates a premature translational stop signal (p.Arg1045*) in the DSP gene. It is expected to result in an absent or disrupted protein product. Loss-of-function variants in DSP are known to be pathogenic (PMID: 20716751, 24503780, 25227139, 30398466). This variant is not present in population databases (gnomAD no frequency). This premature translational stop signal has been observed in individual(s) with dilated cardiomyopathy or arrhythmogenic right ventricular cardiomyopathy (PMID: 27532257, 28527814). ClinVar contains an entry for this variant (Variation ID: 464961). For these reasons, this variant has been classified as Pathogenic.

Blueprint Genetics
Classification: Pathogenic for DSP-related disorders. Last evaluated: 2023-12-20. Review status: criteria provided, single submitter. Criteria: ACMG Guidelines, 2015. Collection method: clinical testing. Allele origin: germline. Affected: yes. Observed: 2 variant alleles.

Women's Health and Genetics/Laboratory Corporation of America, LabCorp
Classification: Pathogenic for Cardiac arrhythmia. Last evaluated: 2023-09-05. Review status: criteria provided, single submitter. Criteria: LabCorp Variant Classification Summary - May 2015. Collection method: clinical testing. Allele origin: germline.
Comment: Variant summary: DSP c.3133C>T (p.Arg1045X) results in a premature termination codon, predicted to cause a truncation of the encoded protein or absence of the protein due to nonsense mediated decay, which are commonly known mechanisms for disease. A truncation downstream of this position has been classified as pathogenic by our laboratory (c.3337C>T, p.Arg1113X). The variant was absent in 250892 control chromosomes (gnomAD). The variant, c.3133C>T, has been reported in the literature in individuals affected with dilated cardiomyopathy and arrhythmogenic right ventricular cardiomyopathy (Walsh_2017, Castelletti_2017). These data indicate that the variant is likely to be associated with disease. To our knowledge, no experimental evidence demonstrating an impact on protein function has been reported. The following publications have been ascertained in the context of this evaluation (PMID: 27532257, 28527814). Five submitters have cited clinical-significance assessments for this variant to ClinVar after 2014. All submitters classified the variant as pathogenic or likely pathogenic. Based on the evidence outlined above, the variant was classified as pathogenic.

Ambry Genetics
Classification: Pathogenic for Cardiovascular phenotype. Last evaluated: 2023-08-29. Review status: criteria provided, single submitter. Criteria: Ambry Variant Classification Scheme 2023. Collection method: clinical testing. Allele origin: germline.
Comment: The p.R1045* pathogenic mutation (also known as c.3133C>T), located in coding exon 23 of the DSP gene, results from a C to T substitution at nucleotide position 3133. This changes the amino acid from an arginine to a stop codon within coding exon 23. This alteration has been reported in one individual from a dilated cardiomyopathy (DCM) genetic testing cohort and in one individual with arrhythmogenic right ventricular cardiomyopathy (ARVC) (Walsh R et al. Genet. Med., 2017 02;19:192-203; Castelletti S et al. Int. J. Cardiol., 2017 Dec;249:268-273). This variant is considered to be rare based on population cohorts in the Genome Aggregation Database (gnomAD). Alterations in DSP that result in haploinsufficiency or protein truncation have been reported in patients with ARVC and DCM (Fressart V et al. Europace. 2010;12(6):861-8; Elliott P et al. Circ Cardiovasc Genet. 2010;3(4):314-22; Quarta G et al. Circulation. 2011;123(23):2701-9; Garcia-Pavia P et al. Heart. 2011;97(21):1744-52; Rasmussen TB et al. Clin Genet. 2013;84(1):20-30; Pugh TJ et al. Genet Med. 2014;16(8):601-8). This alteration is expected to result in loss of function by premature protein truncation or nonsense-mediated mRNA decay. As such, this alteration is interpreted as a disease-causing mutation.

Institute of Medical Genetics and Applied Genomics, University Hospital Tübingen
Classification: Pathogenic for Primary dilated cardiomyopathy. Last evaluated: 2022-11-03. Review status: criteria provided, single submitter. Criteria: ACMG Guidelines, 2015. Collection method: clinical testing. Allele origin: germline. Inheritance: Autosomal dominant inheritance. Affected: yes.

Mayo Clinic Laboratories, Mayo Clinic
Classification: Pathogenic. Last evaluated: 2021-07-09. Review status: criteria provided, single submitter. Criteria: ACMG Guidelines, 2015. Collection method: clinical testing. Allele origin: germline.
Comment: PVS1, PM2_supporting; PS4_moderate

Laboratory for Molecular Medicine, Mass General Brigham Personalized Medicine
Classification: Likely pathogenic for Arrhythmogenic right ventricular cardiomyopathy; Primary dilated cardiomyopathy. Last evaluated: 2017-06-23. Review status: criteria provided, single submitter. Criteria: LMM Criteria. Collection method: clinical testing. Allele origin: germline. Inheritance: Autosomal dominant inheritance. Observed: 2 variant alleles.
Comment: The p.Arg1045X variant in DSP has not been previously reported in individuals wi th cardiomyopathy or in large population studies. This nonsense variant leads to a premature termination codon at position 1045, which is predicted to lead to a truncated or absent protein. Heterozygous loss of function of the DSP gene is a n established disease mechanism in individuals with arrhythmogenic right ventric ular cardiomyopathy, and has recently been associated with dilated cardiomyopath y. In summary, although additional studies are required to fully establish its c linical significance, the p.Arg1045X variant is likely pathogenic.

Literature cited by the submitters: PubMed 20716751 (cited by Labcorp Genetics (formerly Invitae), Labcorp); PubMed 24503780 (cited by Labcorp Genetics (formerly Invitae), Labcorp); PubMed 25227139 (cited by Labcorp Genetics (formerly Invitae), Labcorp); PubMed 30398466 (cited by Labcorp Genetics (formerly Invitae), Labcorp); PubMed 27532257 (cited by 4 submitters); PubMed 28527814 (cited by 4 submitters); PubMed 31447099 (cited by Mayo Clinic Laboratories, Mayo Clinic); PubMed 31402444 (cited by Mayo Clinic Laboratories, Mayo Clinic).